The following is an entry in ClinVar:

ClinVar aggregate classification (germline): Conflicting classifications of pathogenicity. Review status: criteria provided, conflicting classifications (1 of 4 stars). 2 submissions from 2 submitters: Uncertain significance (1); Likely benign (1). Last evaluated 2025-08-06.

Allele frequency attached by ClinVar (database versions not stated): TOPMed 0.00028; gnomAD 0.00046.
gnomAD v4.1: 98 of 1,609,494 alleles (0.0061%); highest among the groups gnomAD compares: Admixed American, 0.16%; no homozygotes.

Submissions (2):

Labcorp Genetics (formerly Invitae), Labcorp
Classification: Likely benign. Last evaluated: 2025-08-06. Review status: criteria provided, single submitter. Criteria: Invitae Variant Classification Sherloc (09022015). Collection method: clinical testing. Allele origin: germline.

GeneDx
Classification: Uncertain significance. Last evaluated: 2025-05-15. Review status: criteria provided, single submitter. Criteria: GeneDx Variant Classification Process June 2021. Collection method: clinical testing. Allele origin: germline. Affected: yes.
Comment: In silico analysis suggests that this missense variant does not alter protein structure/function; Has not been previously published as pathogenic or benign to our knowledge

NM_001853.4(COL9A3):c.1084C>T (p.Pro362Ser)

Gene: COL9A3 (collagen type IX alpha 3 chain; plus strand). Cytogenetic location: 20q13.33.
Variant type: single nucleotide variant.
Coding change: c.1084C>T on transcript NM_001853.4 (MANE Select); coding-DNA position 1084, C replaced by T.
Protein change: p.Pro362Ser; replaces proline 362 with serine.
Molecular consequence: missense variant.
Genome position (GRCh38, 1-based): chr20:62,829,658, C>T. VCF-style: chr20-62829658-C-T. GRCh37 (hg19) VCF-style: chr20-61461010-C-T.
Other names: c.1084C>T (NM_001853.3); short protein forms P362S.
Identifiers: ClinVar variation 2164568 (VCV002164568.5), dbSNP rs771645717, ClinGen allele CA9949741.